The following is an entry in ClinVar:

NM_000337.6(SGCD):c.458A>G (p.Asp153Gly)

Gene: SGCD (sarcoglycan delta; plus strand). Cytogenetic location: 5q33.3.
Variant type: single nucleotide variant.
Coding change: c.458A>G on transcript NM_000337.6 (MANE Select); coding-DNA position 458, A replaced by G.
Protein change: p.Asp153Gly; replaces aspartic acid 153 with glycine.
Molecular consequence: missense variant.
Genome position (GRCh38, 1-based): chr5:156,595,007, A>G. VCF-style: chr5-156595007-A-G. GRCh37 (hg19) VCF-style: chr5-156022017-A-G.
Other names: p.Asp153Gly; c.455A>G, p.Asp152Gly (NM_001128209.2); c.458A>G, p.Asp153Gly (NM_172244.3); short protein forms D153G, D152G.
Identifiers: ClinVar variation 411706 (VCV000411706.16), dbSNP rs752000538, ClinGen allele CA3530601.

ClinVar aggregate classification (germline): Uncertain significance. Review status: criteria provided, multiple submitters, no conflicts (2 of 4 stars). 8 submissions from 7 submitters: Uncertain significance (8). Last evaluated 2025-03-18.

Conditions:
Autosomal recessive limb-girdle muscular dystrophy type 2F (LGMDR6). Also called: Muscular dystrophy limb-girdle with delta-sarcoglyan deficiency; MUSCULAR DYSTROPHY, LIMB-GIRDLE, AUTOSOMAL RECESSIVE 6. Identifiers: Orphanet 219, MedGen C1832525, MONDO:0011028, OMIM 601287. Disease mechanism: Affects gamma-sarcoglycan and also disrupts the integrity of the entire sarcoglycan complex..
Dilated cardiomyopathy 1L (CMD1L). Identifiers: Orphanet 154, MedGen C1847667, MONDO:0011702, OMIM 606685.
Inborn genetic diseases. Identifiers: MedGen C0950123, MeSH D030342.

Allele frequency attached by ClinVar (database versions not stated): gnomAD 0.00003; gnomAD exomes 0.00004 and 0.00018; TOPMed 0.00012; ExAC 0.00016.
gnomAD v4.1: 53 of 1,612,454 alleles (0.0033%); highest among the groups gnomAD compares: Admixed American, 0.085%; no homozygotes.

Submissions (8):

Mayo Clinic Laboratories, Mayo Clinic
Classification: Uncertain significance. Last evaluated: 2025-03-18. Review status: criteria provided, single submitter. Criteria: ACMG Guidelines, 2015. Collection method: clinical testing. Allele origin: germline. Observed: 1 variant allele.
Comment: BS1, PP3_moderate

Ambry Genetics
Classification: Uncertain significance for Inborn genetic diseases. Last evaluated: 2024-01-27. Review status: criteria provided, single submitter. Criteria: Ambry Variant Classification Scheme 2023. Collection method: clinical testing. Allele origin: germline.
Comment: The p.D153G variant (also known as c.458A>G), located in coding exon 5 of the SGCD gene, results from an A to G substitution at nucleotide position 458. The aspartic acid at codon 153 is replaced by glycine, an amino acid with similar properties. This amino acid position is conserved. In addition, this alteration is predicted to be deleterious by in silico analysis. Since supporting evidence is limited at this time, the clinical significance of this alteration remains unclear.

Genome-Nilou Lab
Classification: Uncertain significance for Autosomal recessive limb-girdle muscular dystrophy type 2F. Last evaluated: 2023-02-08. Review status: criteria provided, single submitter. Criteria: ACMG Guidelines, 2015. Collection method: clinical testing. Allele origin: germline.

Genome-Nilou Lab
Classification: Uncertain significance for Dilated cardiomyopathy 1L. Last evaluated: 2023-02-08. Review status: criteria provided, single submitter. Criteria: ACMG Guidelines, 2015. Collection method: clinical testing. Allele origin: germline.

Labcorp Genetics (formerly Invitae), Labcorp
Classification: Uncertain significance for Autosomal recessive limb-girdle muscular dystrophy type 2F. Last evaluated: 2022-09-27. Review status: criteria provided, single submitter. Criteria: Invitae Variant Classification Sherloc (09022015). Collection method: clinical testing. Allele origin: germline.
Comment: This sequence change replaces aspartic acid, which is acidic and polar, with glycine, which is neutral and non-polar, at codon 153 of the SGCD protein (p.Asp153Gly). This variant is present in population databases (rs752000538, gnomAD 0.1%). This variant has not been reported in the literature in individuals affected with SGCD-related conditions. ClinVar contains an entry for this variant (Variation ID: 411706). Advanced modeling of protein sequence and biophysical properties (such as structural, functional, and spatial information, amino acid conservation, physicochemical variation, residue mobility, and thermodynamic stability) performed at Invitae indicates that this missense variant is not expected to disrupt SGCD protein function. Algorithms developed to predict the effect of sequence changes on RNA splicing suggest that this variant is not likely to affect RNA splicing. In summary, the available evidence is currently insufficient to determine the role of this variant in disease. Therefore, it has been classified as a Variant of Uncertain Significance.

Fulgent Genetics
Classification: Uncertain significance for Autosomal recessive limb-girdle muscular dystrophy type 2F; Dilated cardiomyopathy 1L. Last evaluated: 2021-09-06. Review status: criteria provided, single submitter. Criteria: ACMG Guidelines, 2015. Collection method: clinical testing. Allele origin: unknown.

GeneDx
Classification: Uncertain significance. Last evaluated: 2021-02-03. Review status: criteria provided, single submitter. Criteria: GeneDx Variant Classification Process June 2021. Collection method: clinical testing. Allele origin: germline. Affected: yes.
Comment: Has not been previously published as pathogenic or benign to our knowledge; In silico analysis supports that this missense variant has a deleterious effect on protein structure/function; Reported in ClinVar as a variant of uncertain significance (ClinVar Variant ID# 411706; Landrum et al., 2016)

Eurofins Ntd Llc (ga)
Classification: Uncertain significance. Last evaluated: 2016-12-28. Review status: criteria provided, single submitter. Criteria: EGL Classification Definitions 2015. Collection method: clinical testing. Allele origin: germline. Observed: 1 variant allele, 1 heterozygote.